The following is an entry in ClinVar:

ClinVar aggregate classification (germline): Pathogenic (1 of 4 stars; one submission).

Conditions:
CHARGE syndrome (CHARGE). Also called: Hittner Hirsch Kreh syndrome; CHARGE ASSOCIATION--COLOBOMA, HEART ANOMALY, CHOANAL ATRESIA, RETARDATION, GENITAL AND EAR ANOMALIES; Coloboma, heart anomaly, choanal atresia, retardation, genital and ear anomalies; CHARGE association; Hall-Hittner syndrome. Identifiers: Orphanet 138, MedGen C0265354, MONDO:0008965.

Submission:

Labcorp Genetics (formerly Invitae), Labcorp
Classification: Pathogenic for CHARGE syndrome. Last evaluated: 2019-01-27. Review status: criteria provided, single submitter. Criteria: Invitae Variant Classification Sherloc (09022015). Collection method: clinical testing. Allele origin: germline.
Comment: This variant has not been reported in the literature in individuals with CHD7-related conditions. For these reasons, this variant has been classified as Pathogenic. Loss-of-function variants in CHD7 are known to be pathogenic (PMID: 22461308, 25077900). This variant is not present in population databases (ExAC no frequency). This sequence change creates a premature translational stop signal (p.Glu1580*) in the CHD7 gene. It is expected to result in an absent or disrupted protein product.

Literature cited by the submitters: PubMed 22461308; PubMed 25077900.

NM_017780.4(CHD7):c.4738G>T (p.Glu1580Ter)

Gene: CHD7 (chromodomain helicase DNA binding protein 7; plus strand). Cytogenetic location: 8q12.2.
Variant type: single nucleotide variant.
Coding change: c.4738G>T on transcript NM_017780.4 (MANE Select); coding-DNA position 4738, G replaced by T.
Protein change: p.Glu1580Ter; replaces glutamic acid 1580 with a stop codon.
Molecular consequence: nonsense. On other transcripts: intron variant (1).
Genome position (GRCh38, 1-based): chr8:60,841,940, G>T. VCF-style: chr8-60841940-G-T. GRCh37 (hg19) VCF-style: chr8-61754499-G-T.
Other names: c.1717-20289G>T (NM_001316690.1); short protein forms E1580*.
Identifiers: ClinVar variation 839015 (VCV000839015.7), dbSNP rs1804993220, ClinGen allele CA371319250.